The following is an entry in ClinVar:

NM_000553.6(WRN):c.530T>G (p.Leu177Arg)

Gene: WRN (WRN RecQ like helicase; plus strand). Cytogenetic location: 8p12.
Variant type: single nucleotide variant.
Coding change: c.530T>G on transcript NM_000553.6 (MANE Select); coding-DNA position 530, T replaced by G.
Protein change: p.Leu177Arg; replaces leucine 177 with arginine.
Molecular consequence: missense variant.
Genome position (GRCh38, 1-based): chr8:31,067,058, T>G. VCF-style: chr8-31067058-T-G. GRCh37 (hg19) VCF-style: chr8-30924574-T-G.
Other names: short protein forms L177R.
Identifiers: ClinVar variation 860731 (VCV000860731.6), dbSNP rs1163536338, ClinGen allele CA370915938.

ClinVar aggregate classification (germline): Uncertain significance (1 of 4 stars; one submission).

Conditions:
Werner syndrome (WRN). Identifiers: Orphanet 902, MedGen C0043119, MONDO:0010196, OMIM 277700.

Allele frequency attached by ClinVar (database versions not stated): TOPMed below 0.00001; gnomAD 0.00001.
gnomAD v4.1: 1 of 1,613,804 alleles (0.000062%); highest among the groups gnomAD compares: Non-Finnish European, 0.000085%; no homozygotes.

Submission:

Labcorp Genetics (formerly Invitae), Labcorp
Classification: Uncertain significance for Werner syndrome. Last evaluated: 2024-05-06. Review status: criteria provided, single submitter. Criteria: Invitae Variant Classification Sherloc (09022015). Collection method: clinical testing. Allele origin: germline.
Comment: This sequence change replaces leucine, which is neutral and non-polar, with arginine, which is basic and polar, at codon 177 of the WRN protein (p.Leu177Arg). This variant is not present in population databases (gnomAD no frequency). This variant has not been reported in the literature in individuals affected with WRN-related conditions. ClinVar contains an entry for this variant (Variation ID: 860731). An algorithm developed to predict the effect of missense changes on protein structure and function (PolyPhen-2) suggests that this variant is likely to be disruptive. In summary, the available evidence is currently insufficient to determine the role of this variant in disease. Therefore, it has been classified as a Variant of Uncertain Significance.